The following is an entry in ClinVar:

NM_018238.4(AGK):c.863C>T (p.Ala288Val)

Gene: AGK (acylglycerol kinase; plus strand). Cytogenetic location: 7q34.
Variant type: single nucleotide variant.
Coding change: c.863C>T on transcript NM_018238.4 (MANE Select); coding-DNA position 863, C replaced by T.
Protein change: p.Ala288Val; replaces alanine 288 with valine.
Molecular consequence: missense variant.
Genome position (GRCh38, 1-based): chr7:141,641,384, C>T. VCF-style: chr7-141641384-C-T. GRCh37 (hg19) VCF-style: chr7-141341184-C-T.
Other names: p.A288V:GCA>GTA; c.863C>T, p.Ala288Val (NM_001364948.3); short protein forms A288V.
Identifiers: ClinVar variation 214070 (VCV000214070.6), dbSNP rs763068104, ClinGen allele CA324138.

ClinVar aggregate classification (germline): Conflicting classifications of pathogenicity. Review status: criteria provided, conflicting classifications (1 of 4 stars). 4 submissions from 3 submitters: Uncertain significance (3); Likely benign (1). Last evaluated 2025-02-22.

Conditions:
Inborn genetic diseases. Identifiers: MedGen C0950123, MeSH D030342.
Sengers syndrome. Also called: Cardiomyopathy and cataract; MITOCHONDRIAL DNA DEPLETION SYNDROME 10 (CARDIOMYOPATHIC TYPE). Identifiers: Orphanet 1369, MedGen C1859317, MONDO:0008922, OMIM 212350.
Cataract 38. Also called: Cataract, autosomal recessive congenital 5; Cataract 38, autosomal recessive. Identifiers: Orphanet 91492, MedGen C3553494, MONDO:0013859, OMIM 614691.

Allele frequency attached by ClinVar (database versions not stated): gnomAD 0.00001; ExAC 0.00003; gnomAD exomes 0.00003 and 0.00004; TOPMed 0.00005.
gnomAD v4.1: 20 of 1,612,246 alleles (0.0012%); highest among the groups gnomAD compares: Admixed American, 0.013%; no homozygotes.

Submissions (4):

Ambry Genetics
Classification: Uncertain significance for Inborn genetic diseases. Last evaluated: 2025-02-22. Review status: criteria provided, single submitter. Criteria: Ambry Variant Classification Scheme 2023. Collection method: clinical testing. Allele origin: germline.

Illumina Laboratory Services, Illumina
Classification: Uncertain significance for Cataract 38. Last evaluated: 2018-01-12. Review status: criteria provided, single submitter. Criteria: ICSL Variant Classification Criteria 13 December 2019. Collection method: clinical testing. Allele origin: germline.

Illumina Laboratory Services, Illumina
Classification: Uncertain significance for Sengers syndrome. Last evaluated: 2018-01-12. Review status: criteria provided, single submitter. Criteria: ICSL Variant Classification Criteria 13 December 2019. Collection method: clinical testing. Allele origin: germline.

GeneDx
Classification: Likely benign. Last evaluated: 2013-10-29. Review status: criteria provided, single submitter. Criteria: GeneDx Variant Classification (06012015). Collection method: clinical testing. Allele origin: germline. Affected: yes.
Comment: This variant is considered likely benign or benign based on one or more of the following criteria: it is a conservative change, it occurs at a poorly conserved position in the protein, it is predicted to be benign by multiple in silico algorithms, and/or has population frequency not consistent with disease.